The following is an entry in ClinVar:

NM_000540.3(RYR1):c.3381+5G>T

Gene: RYR1 (ryanodine receptor 1; plus strand). Cytogenetic location: 19q13.2.
Variant type: single nucleotide variant.
Coding change: c.3381+5G>T on transcript NM_000540.3 (MANE Select); 5 bases into the intron after coding-DNA position 3381, G replaced by T.
Molecular consequence: intron variant.
Genome position (GRCh38, 1-based): chr19:38,467,817, G>T. VCF-style: chr19-38467817-G-T. GRCh37 (hg19) VCF-style: chr19-38958457-G-T.
Other names: c.3381+5G>T (NM_001042723.2).
Identifiers: ClinVar variation 3387681 (VCV003387681.1).

ClinVar aggregate classification (germline): Uncertain significance (1 of 4 stars; one submission).

Conditions:
Malignant hyperthermia, susceptibility to, 1 (MHS1). Also called: Anesthesia related hyperthermia; Malignant hyperpyrexia; Fulminating hyperpyrexia; Pharmacogenic myopathy; RYR1-Related Malignant Hyperthermia Susceptibility; Malignant hyperthermia suceptibility 1. Identifiers: Orphanet 423, MedGen C2930980, MONDO:0007783, OMIM 145600.

Submission:

All of Us Research Program, National Institutes of Health
Classification: Uncertain significance for Malignant hyperthermia, susceptibility to, 1. Last evaluated: 2024-05-14. Review status: criteria provided, single submitter. Criteria: ACMG Guidelines, 2015. Collection method: clinical testing. Allele origin: germline. Inheritance: Autosomal dominant inheritance. Observed: 1 variant allele, 1 heterozygote.
Comment: This variant causes a G to T nucleotide substitution at the +5 position of intron 25 of the RYR1 gene. Splice site prediction tools suggest that this variant may have a significant impact on RNA splicing. To our knowledge, functional studies have not been reported for this variant. This variant has not been reported in individuals affected with RYR1-related disorders in the literature. Loss of RYR1 function is not an established disease mechanism for autosomal dominant malignant hyperthermia, although it is associated with other phenotype(s). This variant has not been identified in the general population by the Genome Aggregation Database (gnomAD). Due to insufficient evidence, this variant is classified as a Variant of Uncertain Significance for autosomal dominant malignant hyperthermia.

This study involves interpretation of variants in research participants for the purpose of population health screening. Participant phenotype was not available at the time of variant classification. Additional details can be found in publication PMID: 35346344, PMCID: PMC8962531